The following is an entry in ClinVar:

ClinVar aggregate classification (germline): Uncertain significance (1 of 4 stars; one submission).

Conditions:
Supravalvar aortic stenosis (SVAS). Also called: Supravalvar aortic stenosis, Eisenberg type. Identifiers: Orphanet 3193, MedGen C0003499, MONDO:0008504, OMIM 185500, HP:0004381.

gnomAD v4.1: 1 of 1,613,816 alleles (0.000062%); highest among the groups gnomAD compares: Non-Finnish European, 0.000085%; no homozygotes.

Submission:

Labcorp Genetics (formerly Invitae), Labcorp
Classification: Uncertain significance for Supravalvar aortic stenosis. Last evaluated: 2026-01-07. Review status: criteria provided, single submitter. Criteria: Invitae Variant Classification Sherloc (09022015). Collection method: clinical testing. Allele origin: germline.
Comment: This sequence change replaces alanine, which is neutral and non-polar, with aspartic acid, which is acidic and polar, at codon 450 of the ELN protein (p.Ala450Asp). This variant is not present in population databases (gnomAD no frequency). This variant has not been reported in the literature in individuals affected with ELN-related conditions. Invitae Evidence Modeling of protein sequence and biophysical properties (such as structural, functional, and spatial information, amino acid conservation, physicochemical variation, residue mobility, and thermodynamic stability) indicates that this missense variant is not expected to disrupt ELN protein function with a negative predictive value of 80%. In summary, the available evidence is currently insufficient to determine the role of this variant in disease. Therefore, it has been classified as a Variant of Uncertain Significance.

NM_000501.4(ELN):c.1349C>A (p.Ala450Asp)

Gene: ELN (elastin; plus strand). Cytogenetic location: 7q11.23.
Variant type: single nucleotide variant.
Coding change: c.1349C>A on transcript NM_000501.4 (MANE Select); coding-DNA position 1349, C replaced by A.
Protein change: p.Ala450Asp; replaces alanine 450 with aspartic acid.
Molecular consequence: missense variant.
Genome position (GRCh38, 1-based): chr7:74,056,705, C>A. VCF-style: chr7-74056705-C-A. GRCh37 (hg19) VCF-style: chr7-73471035-C-A.
Other names: c.1319C>A, p.Ala440Asp (NM_001081752.3, NM_001278917.2); c.1364C>A, p.Ala455Asp (NM_001081753.3, NM_001081754.3); c.1349C>A, p.Ala450Asp (NM_001081755.3, NM_001278912.2, NM_001278915.2 and 1 more transcripts); c.1163C>A, p.Ala388Asp (NM_001278913.2); c.1334C>A, p.Ala445Asp (NM_001278914.2); c.1307C>A, p.Ala436Asp (NM_001278916.2); c.1139C>A, p.Ala380Asp (NM_001278918.2); short protein forms A440D, A450D, A388D, A455D, A380D, A436D, A445D.
Identifiers: ClinVar variation 4702768 (VCV004702768.1).
Genomic context (GRCh38, chr7:74,056,705, plus strand): 5'-GTCTCTTTCTTTCTCGTTTCCTTGTAGCCGAAGCTCAGGCAGCAGCTGCCGCCAAGGCTG[C>A]CAAGTACGGTAAGTGCCCCTGCCCTGCCTGTCCCCAAGTCCTGCTCTCCCGCGGGGCTCA-3'
Protein context (NP_000492.2, residues 440-460): EAQAAAAAKA[Ala450Asp]KYGVGTPAAA